The following is an entry in ClinVar:

NM_001267550.2(TTN):c.56853del (p.Gly18952fs)

Genes: TTN (titin; minus strand), TTN-AS1 (TTN antisense RNA 1; plus strand). Cytogenetic location: 2q31.2.
Variant type: Deletion.
Coding change: c.56853del on transcript NM_001267550.2 (MANE Select); coding-DNA position 56853, one base deleted (T; older notation c.56853delT).
Protein change: p.Gly18952fs; shifts the reading frame from glycine 18952.
Molecular consequence: frameshift variant.
Genome position (GRCh38, 1-based): chr2:178,598,857, A deleted on the plus strand (T on the coding strand, the reverse complement: TTN is on the minus strand). VCF-style (leftmost placement, unchanged base first): chr2-178598856-CA-C. GRCh37 (hg19) VCF-style: chr2-179463583-CA-C.
Other names: c.51930delT (NM_001256850.1); c.51930del, p.Gly17311fs (NM_001256850.1); c.29658del, p.Gly9887fs (NM_003319.4); c.49149del, p.Gly16384fs (NM_133378.4); c.30033del, p.Gly10012fs (NM_133432.3); c.30234del, p.Gly10079fs (NM_133437.4); short protein forms G10012fs, G17311fs, G16384fs, G18952fs, G9887fs, G10079fs.
Identifiers: ClinVar variation 202539 (VCV000202539.9), dbSNP rs794729392, ClinGen allele CA309543.

ClinVar aggregate classification (germline): Pathogenic/Likely pathogenic. Review status: criteria provided, multiple submitters, no conflicts (2 of 4 stars). 2 submissions from 2 submitters: Pathogenic (1); Likely pathogenic (1). Last evaluated 2023-05-14.

Conditions:
Dilated cardiomyopathy 1G (CMD1G). Identifiers: Orphanet 154, MedGen C1858763, MONDO:0011400, OMIM 604145.
Autosomal recessive limb-girdle muscular dystrophy type 2J (LGMDR10). Also called: MUSCULAR DYSTROPHY, LIMB-GIRDLE, AUTOSOMAL RECESSIVE 10; Limb-girdle muscular dystrophy, type 2J. Identifiers: Orphanet 140922, MedGen C1837342, MONDO:0012127, OMIM 608807.

Allele frequency attached by ClinVar (database versions not stated): gnomAD exomes below 0.00001.

Submissions (2):

Labcorp Genetics (formerly Invitae), Labcorp
Classification: Likely pathogenic for Dilated cardiomyopathy 1G; Autosomal recessive limb-girdle muscular dystrophy type 2J. Last evaluated: 2023-05-14. Review status: criteria provided, single submitter. Criteria: Invitae Variant Classification Sherloc (09022015). Collection method: clinical testing. Allele origin: germline.
Comment: This premature translational stop signal has been observed in individual(s) with atrial fibrillation and/or dilated cardiomyopathy (PMID: 31638414, 34315225). This variant is not present in population databases (gnomAD no frequency). This sequence change creates a premature translational stop signal (p.Gly18952Valfs*46) in the TTN gene. While this is not anticipated to result in nonsense mediated decay, it is expected to create a truncated TTN protein. This variant is also known as p.Gly17311ValfsX46. In summary, the currently available evidence indicates that the variant is pathogenic, but additional data are needed to prove that conclusively. Therefore, this variant has been classified as Likely Pathogenic. This variant is located in the A band of TTN (PMID: 25589632). Truncating variants in this region are significantly overrepresented in patients affected with dilated cardiomyopathy (PMID: 25589632). Truncating variants in this region have also been reported in individuals affected with autosomal recessive centronuclear myopathy (PMID: 23975875). ClinVar contains an entry for this variant (Variation ID: 202539).

GeneDx
Classification: Pathogenic. Last evaluated: 2014-11-19. Review status: criteria provided, single submitter. Criteria: GeneDx Variant Classification (06012015). Collection method: clinical testing. Allele origin: germline. Affected: yes.
Comment: c.51930delT: p.Gly17311ValfsX46 (G17311VfsX46) in exon 241 of the TTN gene (NM_001256850.1). Although the c.51930delT mutation in the TTN gene has not been reported to our knowledge, this mutation causes a shift in reading frame starting at codon Glycine 17311, changing it to a Valine, and creating a premature stop codon at position 46 of the new reading frame, denoted p.Gly17311ValfsX46. This mutation is expected to result in either an abnormal, truncated protein product or loss of protein from this allele through nonsense-mediated mRNA decay. Although, truncating variants in the TTN gene have been reported in approximately 3% of reported control alleles, this variant is located in the A-band region of titin, where the majority of mutations associated with DCM have been reported (Herman D et al., 2012). Furthermore, the c.51930delT mutation was not observed in approximately 6,000 individuals of European and African American ancestry in the NHLBI Exome Sequencing Project, indicating it is not a common benign variant in these populations. In summary, c.51930delT in the TTN gene is interpreted as a disease-causing mutation. The variant is found in CARDIOMYOPATHY panel(s).

Literature cited by the submitters: PubMed 31638414 (cited by Labcorp Genetics (formerly Invitae), Labcorp); PubMed 34315225 (cited by Labcorp Genetics (formerly Invitae), Labcorp); PubMed 25589632 (cited by Labcorp Genetics (formerly Invitae), Labcorp); PubMed 23975875 (cited by Labcorp Genetics (formerly Invitae), Labcorp).